The following is an entry in ClinVar:

ClinVar aggregate classification (germline): Uncertain significance (1 of 4 stars; one submission).

Conditions:
Cardiovascular phenotype. Identifiers: MedGen CN230736.

gnomAD v4.1: 6 of 1,613,138 alleles (0.00037%); highest among the groups gnomAD compares: Non-Finnish European, 0.00051%; no homozygotes.

Submission:

Ambry Genetics
Classification: Uncertain significance for Cardiovascular phenotype. Last evaluated: 2026-09-11. Review status: criteria provided, single submitter. Criteria: Ambry Variant Classification Scheme 2023. Collection method: clinical testing. Allele origin: germline.
Comment: The p.R336T variant (also known as c.1007G>C), located in coding exon 8 of the NEXN gene, results from a G to C substitution at nucleotide position 1007. The arginine at codon 336 is replaced by threonine, an amino acid with similar properties. This amino acid position is highly conserved in available vertebrate species. In addition, the in silico prediction for this alteration is inconclusive. Based on the available evidence, the clinical significance of this variant remains unclear.

NM_144573.4(NEXN):c.1007G>C (p.Arg336Thr)

Gene: NEXN (nexilin F-actin binding protein; plus strand). Cytogenetic location: 1p31.1.
Variant type: single nucleotide variant.
Coding change: c.1007G>C on transcript NM_144573.4 (MANE Select); coding-DNA position 1007, G replaced by C.
Protein change: p.Arg336Thr; replaces arginine 336 with threonine.
Molecular consequence: missense variant.
Genome position (GRCh38, 1-based): chr1:77,929,458, G>C. VCF-style: chr1-77929458-G-C. GRCh37 (hg19) VCF-style: chr1-78395143-G-C.
Other names: c.815G>C, p.Arg272Thr (NM_001172309.2); short protein forms R272T, R336T.
Identifiers: ClinVar variation 5025502 (VCV005025502.1).
Genomic context (GRCh38, chr1:77,929,458, plus strand): 5'-AAATGGAAAGGCAAAGAAGAGAAGATGAAAAAAGGAAAGCAGAAGAAGAAGCCAGAAGGA[G>C]AATAGAGGAAGAAAAGAAGGCGTTTGCTGAAGCAAGGAGAAATATGGTAAGACAGAAGCT-3'
Protein context (NP_653174.3, residues 326-346): KRKAEEEARR[Arg336Thr]IEEEKKAFAE